The following is an entry in ClinVar:

ClinVar aggregate classification (germline): Uncertain significance (1 of 4 stars; one submission).

Conditions:
Inborn genetic diseases. Identifiers: MedGen C0950123, MeSH D030342.

Submission:

Ambry Genetics
Classification: Uncertain significance for Inborn genetic diseases. Last evaluated: 2025-04-19. Review status: criteria provided, single submitter. Criteria: Ambry Variant Classification Scheme 2023. Collection method: clinical testing. Allele origin: germline.
Comment: The p.R488W variant (also known as c.1462C>T), located in coding exon 11 of the DNMT3A gene, results from a C to T substitution at nucleotide position 1462. The arginine at codon 488 is replaced by tryptophan, an amino acid with dissimilar properties. This amino acid position is conserved. In addition, the in silico prediction for this alteration is inconclusive. Based on the available evidence, the clinical significance of this variant remains unclear.

NM_022552.5(DNMT3A):c.1462C>T (p.Arg488Trp)

Gene: DNMT3A (DNA methyltransferase 3 alpha; minus strand). Cytogenetic location: 2p23.3.
Variant type: single nucleotide variant.
Coding change: c.1462C>T on transcript NM_022552.5 (MANE Select); coding-DNA position 1462, C replaced by T.
Protein change: p.Arg488Trp; replaces arginine 488 with tryptophan.
Molecular consequence: missense variant. On other transcripts: non-coding transcript variant (1).
Genome position (GRCh38, 1-based): chr2:25,246,032, G>A on the plus strand (C>T on the coding strand, the complement: DNMT3A is on the minus strand). VCF-style: chr2-25246032-G-A. GRCh37 (hg19) VCF-style: chr2-25468901-G-A.
Other names: c.1006C>T, p.Arg336Trp (NM_001320893.1); c.793C>T, p.Arg265Trp (NM_001375819.1); c.895C>T, p.Arg299Trp (NM_153759.3); c.1462C>T, p.Arg488Trp (NM_175629.2); short protein forms R265W, R488W, R299W, R336W.
Identifiers: ClinVar variation 4013916 (VCV004013916.1).
Genomic context (GRCh38, chr2:25,246,032, plus strand): 5'-GCCCCATGCCACACTAGGAGTGCCAGAGTTCCCAGGCAACAAACTTACCCTCAATGTTCC[G>A]GCACTTCTGCCGCACCTCGTACACCAGCCGCTCTGCAAGGGGAGGAGAGCTGGCGTCAGA-3'
Protein context (NP_072046.2, residues 478-498): RLVYEVRQKC[Arg488Trp]NIEDICISCG